The following is an entry in ClinVar:

NM_001142800.2(EYS):c.6410G>A (p.Arg2137His)

Gene: EYS (EGF-like photoreceptor maintenance factor; minus strand). Cytogenetic location: 6q12.
Variant type: single nucleotide variant.
Coding change: c.6410G>A on transcript NM_001142800.2 (MANE Select); coding-DNA position 6410, G replaced by A.
Protein change: p.Arg2137His; replaces arginine 2137 with histidine.
Molecular consequence: missense variant.
Genome position (GRCh38, 1-based): chr6:64,230,606, C>T on the plus strand (G>A on the coding strand, the complement: EYS is on the minus strand). VCF-style: chr6-64230606-C-T. GRCh37 (hg19) VCF-style: chr6-64940499-C-T.
Other names: c.6410G>A, p.Arg2137His (NM_001292009.2); short protein forms R2137H.
Identifiers: ClinVar variation 966550 (VCV000966550.8), dbSNP rs369090261, ClinGen allele CA140296089.

ClinVar aggregate classification (germline): Conflicting classifications of pathogenicity. Review status: criteria provided, conflicting classifications (1 of 4 stars). 6 submissions from 6 submitters: Uncertain significance (3); Likely benign (1). 2 of the submissions do not count toward it. Last evaluated 2026-06-02.

Conditions:
Retinal dystrophy. Also called: Inherited retinal dystrophy. Identifiers: Orphanet 71862, MedGen C0854723, MeSH D058499, MONDO:0019118, HP:0000556.
EYS-related disorder. Also called: EYS-related condition.
Autosomal recessive retinitis pigmentosa. Identifiers: MedGen C0339526.

Allele frequency attached by ClinVar (database versions not stated): gnomAD 0.00006 and 0.00007; gnomAD exomes 0.00008; TOPMed 0.00010; 1000 Genomes Project 0.00020; ESP Exome Variant Server 0.00022; 1000 Genomes Project 30x 0.00031.
gnomAD v4.1: 77 of 1,544,992 alleles (0.005%); highest among the groups gnomAD compares: East Asian, 0.056%; no homozygotes.

Submissions (6):

PreventionGenetics, part of Exact Sciences
Classification: Uncertain significance for EYS-related condition. Last evaluated: 2026-06-02. Review status: criteria provided, single submitter. Criteria: ACMG Guidelines, 2015. Collection method: clinical testing. Allele origin: germline.
Comment: The EYS c.6410G>A variant is predicted to result in the amino acid substitution p.Arg2137His. To our knowledge, this variant has not been reported in the literature. This variant is reported in 0.11% of alleles in individuals of East Asian descent in gnomAD. Although we suspect that this variant may be benign, at this time, the clinical significance of this variant is uncertain due to the absence of conclusive functional and genetic evidence.

Blueprint Genetics
Classification: Likely benign. Last evaluated: 2024-10-03. Review status: criteria provided, single submitter. Criteria: ACMG Guidelines, 2015. Collection method: clinical testing. Allele origin: germline.

Dept Of Ophthalmology, Nagoya University
Classification: Uncertain significance for Retinal dystrophy. Last evaluated: 2023-10-01. Review status: criteria provided, single submitter. Criteria: Submitter's publication. Collection method: research. Allele origin: germline. Affected: yes.

Labcorp Genetics (formerly Invitae), Labcorp
Classification: Uncertain significance. Last evaluated: 2022-07-05. Review status: criteria provided, single submitter. Criteria: Invitae Variant Classification Sherloc (09022015). Collection method: clinical testing. Allele origin: germline.
Comment: This sequence change replaces arginine, which is basic and polar, with histidine, which is basic and polar, at codon 2137 of the EYS protein (p.Arg2137His). This variant is present in population databases (rs369090261, gnomAD 0.1%). This variant has not been reported in the literature in individuals affected with EYS-related conditions. ClinVar contains an entry for this variant (Variation ID: 966550). Algorithms developed to predict the effect of missense changes on protein structure and function output the following: SIFT: "Deleterious"; PolyPhen-2: "Probably Damaging"; Align-GVGD: "Class C0". The histidine amino acid residue is found in multiple mammalian species, which suggests that this missense change does not adversely affect protein function. In summary, the available evidence is currently insufficient to determine the role of this variant in disease. Therefore, it has been classified as a Variant of Uncertain Significance.

Institute of Human Genetics, Univ. Regensburg, Univ. Regensburg
Classification: Uncertain significance for Retinal dystrophy. Last evaluated: 2023-01-01. Review status: no assertion criteria provided. Criteria: ACMG Guidelines, 2015. Collection method: clinical testing. Allele origin: germline. Affected: yes. Not counted in ClinVar's aggregate classification.

Natera, Inc.
Classification: Uncertain significance for Autosomal recessive retinitis pigmentosa. Last evaluated: 2020-11-16. Review status: no assertion criteria provided. Collection method: clinical testing. Allele origin: germline. Not counted in ClinVar's aggregate classification.